The following is an entry in ClinVar:

NM_000212.3(ITGB3):c.98C>T (p.Thr33Met)

Gene: ITGB3 (integrin subunit beta 3; plus strand). Cytogenetic location: 17q21.32.
Variant type: single nucleotide variant.
Coding change: c.98C>T on transcript NM_000212.3 (MANE Select); coding-DNA position 98, C replaced by T.
Protein change: p.Thr33Met; replaces threonine 33 with methionine.
Molecular consequence: missense variant.
Genome position (GRCh38, 1-based): chr17:47,274,437, C>T. VCF-style: chr17-47274437-C-T. GRCh37 (hg19) VCF-style: chr17-45351803-C-T.
Other names: short protein forms T33M.
Identifiers: ClinVar variation 2888608 (VCV002888608.5), dbSNP rs544276300, ClinGen allele CA8622851.
Genomic context (GRCh38, chr17:47,274,437, plus strand): 5'-TGAGCCAAATCTGGTGCTAATGCCTTTGTCTGTCTGTTGCAGGGCCCAACATCTGTACCA[C>T]GCGAGGTGTGAGCTCCTGCCAGCAGTGCCTGGCTGTGAGCCCCATGTGTGCCTGGTGCTC-3'
Protein context (NP_000203.2, residues 23-43): VGVGGPNICT[Thr33Met]RGVSSCQQCL

ClinVar aggregate classification (germline): Uncertain significance. Review status: criteria provided, multiple submitters, no conflicts (2 of 4 stars). 2 submissions from 2 submitters: Uncertain significance (2). Last evaluated 2026-01-06.

Allele frequency attached by ClinVar (database versions not stated): ExAC 0.00001; gnomAD exomes 0.00001; gnomAD 0.00001; TOPMed 0.00001.
gnomAD v4.1: 19 of 1,613,260 alleles (0.0012%); highest among the groups gnomAD compares: East Asian, 0.0045%; no homozygotes.

Submissions (2):

Labcorp Genetics (formerly Invitae), Labcorp
Classification: Uncertain significance. Last evaluated: 2026-01-06. Review status: criteria provided, single submitter. Criteria: Invitae Variant Classification Sherloc (09022015). Collection method: clinical testing. Allele origin: germline.
Comment: This sequence change replaces threonine, which is neutral and polar, with methionine, which is neutral and non-polar, at codon 33 of the ITGB3 protein (p.Thr33Met). This variant is present in population databases (no rsID available, gnomAD 0.006%). This variant has not been reported in the literature in individuals affected with ITGB3-related conditions. ClinVar contains an entry for this variant (Variation ID: 2888608). Invitae Evidence Modeling of protein sequence and biophysical properties (such as structural, functional, and spatial information, amino acid conservation, physicochemical variation, residue mobility, and thermodynamic stability) has been performed for this missense variant. However, the output from this modeling did not meet the statistical confidence thresholds required to predict the impact of this variant on ITGB3 protein function. In summary, the available evidence is currently insufficient to determine the role of this variant in disease. Therefore, it has been classified as a Variant of Uncertain Significance.

Women's Health and Genetics/Laboratory Corporation of America, LabCorp
Classification: Uncertain significance. Last evaluated: 2025-01-13. Review status: criteria provided, single submitter. Criteria: LabCorp Variant Classification Summary - May 2015. Collection method: clinical testing. Allele origin: germline.
Comment: Variant summary: ITGB3 c.98C>T (p.Thr33Met) results in a non-conservative amino acid change in the encoded protein sequence. Three of five in-silico tools predict a damaging effect of the variant on protein function. The variant allele was found at a frequency of 1.2e-05 in 250888 control chromosomes. The available data on variant occurrences in the general population are insufficient to allow any conclusion about variant significance. To our knowledge, no occurrence of c.98C>T in individuals affected with Glanzmann Thrombasthenia 2 and no experimental evidence demonstrating its impact on protein function have been reported. ClinVar contains an entry for this variant (Variation ID: 2888608). Based on the evidence outlined above, the variant was classified as uncertain significance.